The following is an entry in ClinVar:

NM_032043.3(BRIP1):c.1665T>G (p.Thr555=)

Gene: BRIP1 (BRCA1 interacting DNA helicase 1; minus strand). Cytogenetic location: 17q23.2.
Variant type: single nucleotide variant.
Coding change: c.1665T>G on transcript NM_032043.3 (MANE Select); coding-DNA position 1665, T replaced by G.
Protein change: p.Thr555=; no amino-acid change (threonine 555 retained).
Molecular consequence: synonymous variant.
Genome position (GRCh38, 1-based): chr17:61,780,969, A>C on the plus strand (T>G on the coding strand, the complement: BRIP1 is on the minus strand). VCF-style: chr17-61780969-A-C. GRCh37 (hg19) VCF-style: chr17-59858330-A-C.
Identifiers: ClinVar variation 3378836 (VCV003378836.1).

ClinVar aggregate classification (germline): Benign (1 of 4 stars; one submission).

Conditions:
Familial cancer of breast. Also called: hereditary breast carcinoma; Hereditary breast cancer; BREAST CANCER, FAMILIAL. Identifiers: Orphanet 227535, MedGen C0346153, MONDO:0016419, OMIM 114480. Disease mechanism: loss of function.

Submission:

Myriad Genetics, Inc.
Classification: Benign for Familial cancer of breast. Last evaluated: 2024-08-28. Review status: criteria provided, single submitter. Criteria: Myriad Autosomal Dominant, Autosomal Recessive and X-Linked Classification Criteria (2023). Collection method: clinical testing. Allele origin: unknown.
Comment: This variant is considered benign. This variant is a silent/synonymous amino acid change and it is not expected to impact splicing.